The following is an entry in ClinVar:

NM_004082.5(DCTN1):c.177C>T (p.Gly59=)

Gene: DCTN1 (dynactin subunit 1; minus strand). Cytogenetic location: 2p13.1.
Variant type: single nucleotide variant.
Coding change: c.177C>T on transcript NM_004082.5 (MANE Select); coding-DNA position 177, C replaced by T.
Protein change: p.Gly59=; no amino-acid change (glycine 59 retained).
Molecular consequence: synonymous variant. On other transcripts: non-coding transcript variant (1).
Genome position (GRCh38, 1-based): chr2:74,378,102, G>A on the plus strand (C>T on the coding strand, the complement: DCTN1 is on the minus strand). VCF-style: chr2-74378102-G-A. GRCh37 (hg19) VCF-style: chr2-74605229-G-A.
Other names: c.177C>T, p.Gly59= (NM_001135040.3, NM_001190837.2); c.126C>T, p.Gly42= (NM_001190836.2, NM_001378991.1, NM_001378992.1).
Identifiers: ClinVar variation 962724 (VCV000962724.10), dbSNP rs72466484, ClinGen allele CA50440201.

ClinVar aggregate classification (germline): Uncertain significance (1 of 4 stars; one submission).

Conditions:
Amyotrophic lateral sclerosis type 1 (ALS1). Also called: AMYOTROPHIC LATERAL SCLEROSIS 1, FAMILIAL. Identifiers: Orphanet 803, MedGen C1862939, MONDO:0007103, OMIM 105400.
Perry syndrome. Also called: PARKINSONISM WITH ALVEOLAR HYPOVENTILATION AND MENTAL DEPRESSION. Identifiers: Orphanet 178509, MedGen C1868594, MONDO:0008201, OMIM 168605.
Neuronopathy, distal hereditary motor, type 7B. Also called: NEURONOPATHY, DISTAL HEREDITARY MOTOR, AUTOSOMAL DOMINANT 14; NEURONOPATHY, DISTAL HEREDITARY MOTOR, HARDING TYPE VIIB; NEUROPATHY, DISTAL HEREDITARY MOTOR, HARDING TYPE VIIB; NEUROPATHY, DISTAL HEREDITARY MOTOR, WITH VOCAL CORD PARALYSIS, HARDING TYPE VIIB; HMN VIIB; LOWER MOTOR NEURON DISEASE, DYNACTIN TYPE. Identifiers: Orphanet 139589, MedGen C1843315, MONDO:0011879, OMIM 607641.

Allele frequency attached by ClinVar (database versions not stated): gnomAD exomes 0.00001; TOPMed 0.00001.
gnomAD v4.1: 16 of 1,614,198 alleles (0.00099%); highest among the groups gnomAD compares: Non-Finnish European, 0.0012%; no homozygotes.

Submission:

Labcorp Genetics (formerly Invitae), Labcorp
Classification: Uncertain significance for Amyotrophic lateral sclerosis type 1; Neuronopathy, distal hereditary motor, type 7B; Perry syndrome. Last evaluated: 2024-02-11. Review status: criteria provided, single submitter. Criteria: Invitae Variant Classification Sherloc (09022015). Collection method: clinical testing. Allele origin: germline.
Comment: This sequence change affects codon 59 of the DCTN1 mRNA. It is a 'silent' change, meaning that it does not change the encoded amino acid sequence of the DCTN1 protein. This variant is present in population databases (rs72466484, gnomAD 0.003%). This variant has not been reported in the literature in individuals affected with DCTN1-related conditions. ClinVar contains an entry for this variant (Variation ID: 962724). Algorithms developed to predict the effect of sequence changes on RNA splicing suggest that this variant may create or strengthen a splice site. In summary, the available evidence is currently insufficient to determine the role of this variant in disease. Therefore, it has been classified as a Variant of Uncertain Significance.